The following is an entry in ClinVar:

ClinVar aggregate classification (germline): Uncertain significance. Review status: criteria provided, single submitter (1 of 4 stars). 2 submissions from 2 submitters: Uncertain significance (1). 1 of the submissions does not count toward it. Last evaluated 2023-02-23.

Conditions:
Tuberous sclerosis syndrome (TSC). Also called: Tuberous Sclerosis Complex; Tuberous sclerosis. Identifiers: Orphanet 805, MedGen C0041341, MONDO:0001734.
Tuberous sclerosis 2 (TSC2). Identifiers: Orphanet 805, MedGen C1860707, MONDO:0013199, OMIM 613254.

Submissions (2):

3billion
Classification: Uncertain significance for Tuberous sclerosis 2. Last evaluated: 2023-02-23. Review status: criteria provided, single submitter. Criteria: ACMG Guidelines, 2015. Collection method: clinical testing. Allele origin: unknown. Affected: yes.
Comment: The variant is not observed in the gnomAD v2.1.1 dataset. SpliceAI prediction score is 0.39 for acceptor loss and the possibility of the variant resulting in abnormal splicing cannot be excluded. In silico tool predictions suggest damaging effect of the variant on gene or gene product (REVEL: 0.90). Same nucleotide change resulting in same amino acid change has been previously reported to be associated with TSC2 related disorder (PMID: 12015165). However, the evidence of pathogenicity is insufficient at this time. Therefore, this variant is classified as VUS according to the recommendation of ACMG/AMP guideline.

Tuberous sclerosis database (TSC2)
No classification provided. Condition: TSC. Review status: no classification provided. Criteria: Tuberous Sclerosis Database Assertion Criteria 2015. Collection method: curation. Allele origin: germline. Affected: yes. Not counted in ClinVar's aggregate classification.

Literature cited by the submitters: PubMed 12015165 (cited by 3billion).

NM_000548.5(TSC2):c.2098G>A (p.Glu700Lys)

Gene: TSC2 (TSC complex subunit 2; plus strand). Cytogenetic location: 16p13.3.
Variant type: single nucleotide variant.
Coding change: c.2098G>A on transcript NM_000548.5 (MANE Select); coding-DNA position 2098, G replaced by A.
Protein change: p.Glu700Lys; replaces glutamic acid 700 with lysine.
Molecular consequence: missense variant.
Genome position (GRCh38, 1-based): chr16:2,072,241, G>A. VCF-style: chr16-2072241-G-A. GRCh37 (hg19) VCF-style: chr16-2122242-G-A.
Other names: c.2098G>A, p.Glu700Lys (NM_021055.3, NM_001077183.3, NM_001114382.3 and 3 more transcripts); c.1987G>A, p.Glu663Lys (NM_001318827.2); c.1951G>A, p.Glu651Lys (NM_001318829.2); c.1498G>A, p.Glu500Lys (NM_001318831.2); c.2131G>A, p.Glu711Lys (NM_001318832.2); short protein forms E700K, E663K, E500K, E651K, E711K.
Identifiers: ClinVar variation 49732 (VCV000049732.3), dbSNP rs45496402, ClinGen allele CA016724.